The following is an entry in ClinVar:

ClinVar aggregate classification (germline): Conflicting classifications of pathogenicity. Review status: criteria provided, conflicting classifications (1 of 4 stars). 2 submissions from 1 submitter: Uncertain significance (1); Likely benign (1). Last evaluated 2018-01-13.

Conditions:
Neuroblastoma, susceptibility to, 2. Identifiers: Orphanet 635, MedGen C2751682, MONDO:0700041, OMIM 613013.
Congenital central hypoventilation. Also called: Congenital Central Hypoventilation Syndrome. Identifiers: Orphanet 661, Orphanet 99803, MedGen C1275808, MONDO:0800031. Disease mechanism: gain of function.

Allele frequency attached by ClinVar (database versions not stated): ExAC 0.00008; TOPMed 0.00009; gnomAD 0.00010 and 0.00011; gnomAD exomes 0.00011.
gnomAD v4.1: 241 of 1,597,770 alleles (0.015%); highest among the groups gnomAD compares: Middle Eastern, 0.034%; no homozygotes.

Submissions (2):

Illumina Laboratory Services, Illumina
Classification: Likely benign for Central hypoventilation syndrome, congenital, 1, with or without Hirschsprung disease. Last evaluated: 2018-01-13. Review status: criteria provided, single submitter. Criteria: ICSL Variant Classification Criteria 13 December 2019. Collection method: clinical testing. Allele origin: germline.
Comment: This variant was observed in the ICSL laboratory as part of a predisposition screen in an ostensibly healthy population. It had not been previously curated by ICSL or reported in the Human Gene Mutation Database (HGMD: prior to June 1st, 2018), and was therefore a candidate for classification through an automated scoring system. Utilizing variant allele frequency, disease prevalence and penetrance estimates, and inheritance mode, an automated score was calculated to assess if this variant is too frequent to cause the disease. Based on the score and internal cut-off values, a variant classified as likely benign is not then subjected to further curation. The score for this variant resulted in a classification of likely benign for this disease.

Illumina Laboratory Services, Illumina
Classification: Uncertain significance for Neuroblastoma, susceptibility to, 2. Last evaluated: 2018-01-13. Review status: criteria provided, single submitter. Criteria: ICSL Variant Classification Criteria 13 December 2019. Collection method: clinical testing. Allele origin: germline.

NM_003924.4(PHOX2B):c.*19C>A

Gene: PHOX2B (paired like homeobox 2B; minus strand). Cytogenetic location: 4p13.
Variant type: single nucleotide variant.
Coding change: c.*19C>A on transcript NM_003924.4 (MANE Select); 19 bases downstream of the stop codon, C replaced by A.
Molecular consequence: 3 prime UTR variant.
Genome position (GRCh38, 1-based): chr4:41,745,788, G>T on the plus strand (C>A on the coding strand, the complement: PHOX2B is on the minus strand). VCF-style: chr4-41745788-G-T. GRCh37 (hg19) VCF-style: chr4-41747805-G-T.
Identifiers: ClinVar variation 348807 (VCV000348807.5), dbSNP rs770841700, ClinGen allele CA2901381.